The following is an entry in ClinVar:

ClinVar aggregate classification (germline): Uncertain significance (1 of 4 stars; one submission).

Conditions:
Juvenile polyposis syndrome (JPS). Identifiers: Orphanet 2929, MedGen C0345893, MONDO:0017380, OMIM 174900.

Submissions (2):

Labcorp Genetics (formerly Invitae), Labcorp
Classification: Uncertain significance for Juvenile polyposis syndrome. Last evaluated: 2023-09-20. Review status: criteria provided, single submitter. Criteria: Invitae Variant Classification Sherloc (09022015). Collection method: clinical testing. Allele origin: germline.
Comment: This sequence change replaces histidine, which is basic and polar, with glutamine, which is neutral and polar, at codon 283 of the SMAD4 protein (p.His283Gln). This variant is not present in population databases (gnomAD no frequency). This variant has not been reported in the literature in individuals affected with SMAD4-related conditions. Advanced modeling of protein sequence and biophysical properties (such as structural, functional, and spatial information, amino acid conservation, physicochemical variation, residue mobility, and thermodynamic stability) performed at Invitae indicates that this missense variant is not expected to disrupt SMAD4 protein function. In summary, the available evidence is currently insufficient to determine the role of this variant in disease. Therefore, it has been classified as a Variant of Uncertain Significance.

Dr. Peter K. Rogan Lab, Western University
No classification provided (evidence only). Condition: Ovarian serous cystadenocarcinoma. Review status: no classification provided. Collection method: in vitro. Allele origin: not applicable. Functional consequence: retained intron. Not counted in ClinVar's aggregate classification.

NM_005359.6(SMAD4):c.849C>G (p.His283Gln)

Gene: SMAD4 (SMAD family member 4; plus strand). Cytogenetic location: 18q21.2.
Variant type: single nucleotide variant.
Coding change: c.849C>G on transcript NM_005359.6 (MANE Select); coding-DNA position 849, C replaced by G.
Protein change: p.His283Gln; replaces histidine 283 with glutamine.
Molecular consequence: missense variant. On other transcripts: non-coding transcript variant (2).
Genome position (GRCh38, 1-based): chr18:51,058,401, C>G. VCF-style: chr18-51058401-C-G. GRCh37 (hg19) VCF-style: chr18-48584771-C-G.
Other names: c.849C>G, p.His283Gln (NM_001407041.1, NM_001407042.1, NM_001407043.1); short protein forms H283Q.
Identifiers: ClinVar variation 2755845 (VCV002755845.4), dbSNP rs2144428968, ClinGen allele CA402463502.